The following is an entry in ClinVar:

NM_032656.4(DHX37):c.1644C>T (p.Gly548=)

Gene: DHX37 (DEAH-box helicase 37; minus strand). Cytogenetic location: 12q24.31.
Variant type: single nucleotide variant.
Coding change: c.1644C>T on transcript NM_032656.4 (MANE Select); coding-DNA position 1644, C replaced by T.
Protein change: p.Gly548=; no amino-acid change (glycine 548 retained).
Molecular consequence: synonymous variant.
Genome position (GRCh38, 1-based): chr12:124,965,759, G>A on the plus strand (C>T on the coding strand, the complement: DHX37 is on the minus strand). VCF-style: chr12-124965759-G-A. GRCh37 (hg19) VCF-style: chr12-125450305-G-A.
Identifiers: ClinVar variation 3372946 (VCV003372946.1).

ClinVar aggregate classification (germline): Uncertain significance (1 of 4 stars; one submission).

gnomAD v4.1: 22 of 1,613,166 alleles (0.0014%); highest among the groups gnomAD compares: South Asian, 0.0033%; no homozygotes.

Submission:

GeneDx
Classification: Uncertain significance. Last evaluated: 2024-04-21. Review status: criteria provided, single submitter. Criteria: GeneDx Variant Classification Process June 2021. Collection method: clinical testing. Allele origin: germline. Affected: yes.
Comment: Not observed at significant frequency in large population cohorts (gnomAD); Has not been previously published as pathogenic or benign to our knowledge; In silico analysis suggests this variant may impact gene splicing. In the absence of RNA/functional studies, the actual effect of this sequence change is unknown.